The following is an entry in ClinVar:

ClinVar aggregate classification (germline): Conflicting classifications of pathogenicity. Review status: criteria provided, conflicting classifications (1 of 4 stars). 2 submissions from 2 submitters: Uncertain significance (1); Likely benign (1). Last evaluated 2022-08-12.

Conditions:
Meckel-Gruber syndrome. Also called: DYSENCEPHALIA SPLANCHNOCYSTICA; GRUBER SYNDROME; Dysencephalia splachnocystica. Identifiers: Orphanet 564, MedGen C0265215, MONDO:0018921.
Joubert syndrome. Also called: Familial aplasia of the vermis; JOUBERT-BOLTSHAUSER SYNDROME. Identifiers: Orphanet 475, MedGen C5979921, MONDO:0018772.

Allele frequency attached by ClinVar (database versions not stated): gnomAD exomes 0.00001; TOPMed 0.00001; gnomAD 0.00002.
gnomAD v4.1: 11 of 1,612,638 alleles (0.00068%); highest among the groups gnomAD compares: African/African-American, 0.0013%; no homozygotes.

Submissions (2):

Labcorp Genetics (formerly Invitae), Labcorp
Classification: Uncertain significance for Joubert syndrome; Meckel-Gruber syndrome. Last evaluated: 2022-08-12. Review status: criteria provided, single submitter. Criteria: Invitae Variant Classification Sherloc (09022015). Collection method: clinical testing. Allele origin: germline.
Comment: This sequence change falls in intron 14 of the TCTN2 gene. It does not directly change the encoded amino acid sequence of the TCTN2 protein. It affects a nucleotide within the consensus splice site. This variant is present in population databases (no rsID available, gnomAD 0.007%). This variant has not been reported in the literature in individuals affected with TCTN2-related conditions. ClinVar contains an entry for this variant (Variation ID: 1417348). Variants that disrupt the consensus splice site are a relatively common cause of aberrant splicing (PMID: 17576681, 9536098). Algorithms developed to predict the effect of sequence changes on RNA splicing suggest that this variant is not likely to affect RNA splicing. In summary, the available evidence is currently insufficient to determine the role of this variant in disease. Therefore, it has been classified as a Variant of Uncertain Significance.

Blueprint Genetics
Classification: Likely benign. Last evaluated: 2022-02-03. Review status: criteria provided, single submitter. Criteria: ACMG Guidelines, 2015. Collection method: clinical testing. Allele origin: germline.

Literature cited by the submitters: PubMed 17576681 (cited by Labcorp Genetics (formerly Invitae), Labcorp); PubMed 9536098 (cited by Labcorp Genetics (formerly Invitae), Labcorp).

NM_024809.5(TCTN2):c.1612+3A>G

Gene: TCTN2 (tectonic family member 2; plus strand). Cytogenetic location: 12q24.31.
Variant type: single nucleotide variant.
Coding change: c.1612+3A>G on transcript NM_024809.5 (MANE Select); 3 bases into the intron after coding-DNA position 1612, A replaced by G.
Molecular consequence: intron variant.
Genome position (GRCh38, 1-based): chr12:123,699,813, A>G. VCF-style: chr12-123699813-A-G. GRCh37 (hg19) VCF-style: chr12-124184360-A-G.
Other names: c.1609+3A>G (NM_001143850.3).
Identifiers: ClinVar variation 1417348 (VCV001417348.4), dbSNP rs918049258, ClinGen allele CA245167781.